The following is an entry in ClinVar:

ClinVar aggregate classification (germline): Likely benign. Review status: criteria provided, multiple submitters, no conflicts (2 of 4 stars). 3 submissions from 3 submitters: Likely benign (3). Last evaluated 2026-09-01.

Conditions:
CACNA1C-related disorder. Also called: CACNA1C-related condition; CACNA1C-related disorders. Identifiers: MedGen CN381092, MONDO:0700321.
Long QT syndrome (LQTS). Identifiers: MedGen C0023976, MeSH D008133, MONDO:0002442. Disease mechanism: loss of function. Inheritance: Various modes of inheritance.

Allele frequency attached by ClinVar (database versions not stated): ExAC 0.00001; gnomAD 0.00003 and 0.00002; TOPMed 0.00002; gnomAD exomes 0.00001 and 0.00007; ESP Exome Variant Server 0.00016.
gnomAD v4.1: 102 of 1,610,328 alleles (0.0063%); highest among the groups gnomAD compares: Non-Finnish European, 0.0085%; no homozygotes.

Submissions (3):

PreventionGenetics, part of Exact Sciences
Classification: Likely benign for CACNA1C-related condition. Last evaluated: 2026-09-01. Review status: criteria provided, single submitter. Criteria: ACMG Guidelines, 2015. Collection method: clinical testing. Allele origin: germline.
Comment: This variant is classified as likely benign based on ACMG/AMP sequence variant interpretation guidelines (Richards et al. 2015 PMID: 25741868, with internal and published modifications).

Labcorp Genetics (formerly Invitae), Labcorp
Classification: Likely benign for Long QT syndrome. Last evaluated: 2025-11-25. Review status: criteria provided, single submitter. Criteria: Invitae Variant Classification Sherloc (09022015). Collection method: clinical testing. Allele origin: germline.

Blueprint Genetics
Classification: Likely benign. Last evaluated: 2024-10-25. Review status: criteria provided, single submitter. Criteria: ACMG Guidelines, 2015. Collection method: clinical testing. Allele origin: germline.

NM_000719.7(CACNA1C):c.2793+7A>G

Gene: CACNA1C (calcium voltage-gated channel subunit alpha1 C; plus strand). Cytogenetic location: 12p13.33.
Variant type: single nucleotide variant.
Coding change: c.2793+7A>G on transcript NM_000719.7 (MANE Select); 7 bases into the intron after coding-DNA position 2793, A replaced by G.
Molecular consequence: intron variant.
Genome position (GRCh38, 1-based): chr12:2,596,010, A>G. VCF-style: chr12-2596010-A-G. GRCh37 (hg19) VCF-style: chr12-2705176-A-G.
Other names: c.2793+7A>G (NM_001167624.3, NM_001167623.2, NM_001167625.2 and 18 more transcripts); c.2784+7A>G (NM_001129844.2).
Identifiers: ClinVar variation 704679 (VCV000704679.13), dbSNP rs371643663, ClinGen allele CA6389047.